The following is an entry in ClinVar:

ClinVar aggregate classification (germline): Uncertain significance (1 of 4 stars; one submission).

Conditions:
Mevalonic aciduria (MEVA). Identifiers: Orphanet 29, MedGen C1959626, MONDO:0012481, OMIM 610377.
Hyperimmunoglobulin D with periodic fever (HIDS). Also called: Hyperimmunoglobulinemia D with periodic fever; HYPERIMMUNOGLOBULINEMIA D AND PERIODIC FEVER SYNDROME; Hyperimmunoglobulinemia D. Identifiers: Orphanet 343, MedGen C0398691, MONDO:0009849, OMIM 260920.
Porokeratosis 3, disseminated superficial actinic type (POROK3). Also called: POROKERATOSIS, DISSEMINATED SUPERFICIAL ACTINIC, 1; POROKERATOSIS 3, MULTIPLE TYPES; POROKERATOSIS 3, MIBELLI TYPE. Identifiers: MedGen C1867981, MONDO:0008293, OMIM 175900.

Submission:

Labcorp Genetics (formerly Invitae), Labcorp
Classification: Uncertain significance for Mevalonic aciduria; Hyperimmunoglobulin D with periodic fever; Porokeratosis 3, disseminated superficial actinic type. Last evaluated: 2024-02-23. Review status: criteria provided, single submitter. Criteria: Invitae Variant Classification Sherloc (09022015). Collection method: clinical testing. Allele origin: germline.
Comment: This sequence change replaces valine, which is neutral and non-polar, with glycine, which is neutral and non-polar, at codon 133 of the MVK protein (p.Val133Gly). This variant is not present in population databases (gnomAD no frequency). This variant has not been reported in the literature in individuals affected with MVK-related conditions. Advanced modeling of protein sequence and biophysical properties (such as structural, functional, and spatial information, amino acid conservation, physicochemical variation, residue mobility, and thermodynamic stability) performed at Invitae indicates that this missense variant is expected to disrupt MVK protein function with a positive predictive value of 80%. In summary, the available evidence is currently insufficient to determine the role of this variant in disease. Therefore, it has been classified as a Variant of Uncertain Significance.

NM_000431.4(MVK):c.398T>G (p.Val133Gly)

Gene: MVK (mevalonate kinase; plus strand). Cytogenetic location: 12q24.11.
Variant type: single nucleotide variant.
Coding change: c.398T>G on transcript NM_000431.4 (MANE Select); coding-DNA position 398, T replaced by G.
Protein change: p.Val133Gly; replaces valine 133 with glycine.
Molecular consequence: missense variant. On other transcripts: 5 prime UTR variant (1), non-coding transcript variant (3), intron variant (2).
Genome position (GRCh38, 1-based): chr12:109,581,421, T>G. VCF-style: chr12-109581421-T-G. GRCh37 (hg19) VCF-style: chr12-110019226-T-G.
Other names: c.398T>G, p.Val133Gly (NM_001114185.3, NM_001414511.1, NM_001414512.1 and 1 more transcripts); c.-185T>G (NM_001414515.1); c.371+1475T>G (NM_001414514.1, NM_001301182.2); short protein forms V133G.
Identifiers: ClinVar variation 3750611 (VCV003750611.2).